The following is an entry in ClinVar:

NM_002506.3(NGF):c.487G>A (p.Val163Met)

Genes: NGF (nerve growth factor; minus strand), NGF-AS1 (NGF antisense RNA 1; plus strand). Cytogenetic location: 1p13.2.
Variant type: single nucleotide variant.
Coding change: c.487G>A on transcript NM_002506.3 (MANE Select); coding-DNA position 487, G replaced by A.
Protein change: p.Val163Met; replaces valine 163 with methionine.
Molecular consequence: missense variant.
Genome position (GRCh38, 1-based): chr1:115,286,309, C>T on the plus strand (G>A on the coding strand, the complement: NGF is on the minus strand). VCF-style: chr1-115286309-C-T. GRCh37 (hg19) VCF-style: chr1-115828930-C-T.
Other names: short protein forms V163M.
Identifiers: ClinVar variation 1388445 (VCV001388445.8), dbSNP rs774878867, ClinGen allele CA1022963.

ClinVar aggregate classification (germline): Uncertain significance (1 of 4 stars; one submission).

Conditions:
Congenital sensory neuropathy with selective loss of small myelinated fibers (HSAN5). Also called: HSAN Type V. Identifiers: Orphanet 64752, MedGen C0020075, MONDO:0012092, OMIM 608654.

Allele frequency attached by ClinVar (database versions not stated): gnomAD exomes below 0.00001; ExAC 0.00001; TOPMed 0.00001.
gnomAD v4.1: 1 of 1,614,174 alleles (0.000062%); highest among the groups gnomAD compares: East Asian, 0.0022%; no homozygotes.

Submission:

Labcorp Genetics (formerly Invitae), Labcorp
Classification: Uncertain significance for Congenital sensory neuropathy with selective loss of small myelinated fibers. Last evaluated: 2020-11-11. Review status: criteria provided, single submitter. Criteria: Invitae Variant Classification Sherloc (09022015). Collection method: clinical testing. Allele origin: germline.
Comment: This sequence change replaces valine with methionine at codon 163 of the NGF protein (p.Val163Met). The valine residue is highly conserved and there is a small physicochemical difference between valine and methionine. This variant is present in population databases (rs774878867, ExAC 0.01%). This variant has not been reported in the literature in individuals with NGF-related conditions. Algorithms developed to predict the effect of missense changes on protein structure and function are either unavailable or do not agree on the potential impact of this missense change (SIFT: "Deleterious"; PolyPhen-2: "Probably Damaging"; Align-GVGD: "Class C0"). In summary, the available evidence is currently insufficient to determine the role of this variant in disease. Therefore, it has been classified as a Variant of Uncertain Significance.